The following is an entry in ClinVar:

ClinVar aggregate classification (germline): Uncertain significance (1 of 4 stars; one submission).

Conditions:
ADNP-related multiple congenital anomalies - intellectual disability - autism spectrum disorder. Also called: ADNP-Related Helsmoortel-Van der Aa Syndrome; Helsmoortel-Van der Aa Syndrome. Identifiers: Orphanet 404448, MedGen C4014538, MONDO:0014379, OMIM 615873. Disease mechanism: loss of function.

Submission:

Laboratorio de Genetica e Diagnostico Molecular, Hospital Israelita Albert Einstein
Classification: Uncertain significance for ADNP-related multiple congenital anomalies - intellectual disability - autism spectrum disorder. Last evaluated: 2025-04-15. Review status: criteria provided, single submitter. Criteria: ACMG Guidelines, 2015. Collection method: clinical testing. Allele origin: germline. Affected: yes.
Comment: ACMG classification criteria: PVS1 strong, PM2 supporting

NM_001282531.3(ADNP):c.3236dup (p.Asn1079fs)

Gene: ADNP (activity dependent neuroprotector homeobox; minus strand). Cytogenetic location: 20q13.13.
Variant type: Duplication.
Coding change: c.3236dup on transcript NM_001282531.3 (MANE Select); coding-DNA position 3236, one base duplicated (A; older notation c.3236dupA).
Protein change: p.Asn1079fs; shifts the reading frame from asparagine 1079.
Molecular consequence: frameshift variant.
Genome position (GRCh38, 1-based): chr20:50,891,478, T duplicated on the plus strand (A on the coding strand, the reverse complement: ADNP is on the minus strand); the first of 2 consecutive T bases (chr20:50,891,478-50,891,479); duplicating either gives the same sequence. VCF-style (leftmost placement, unchanged base first): chr20-50891477-G-GT. GRCh37 (hg19) VCF-style: chr20-49508014-G-GT.
Other names: c.3236dup, p.Asn1079fs (NM_001282532.2, NM_001347511.2, NM_015339.5 and 1 more transcripts); short protein forms N1079fs.
Identifiers: ClinVar variation 3900985 (VCV003900985.1).